The following is an entry in ClinVar:

ClinVar aggregate classification (germline): Uncertain significance (1 of 4 stars; one submission).

Conditions:
Acyl-CoA oxidase deficiency. Also called: STRAIGHT-CHAIN ACYL-CoA OXIDASE DEFICIENCY; Pseudoneonatal adrenoleukodystrophy; Peroxisomal acyl-CoA oxidase deficiency. Identifiers: Orphanet 2971, MedGen C1849678, MONDO:0009919, OMIM 264470. Disease mechanism: loss of function.

gnomAD v4.1: 30 of 1,613,930 alleles (0.0019%); highest among the groups gnomAD compares: Middle Eastern, 0.033%; no homozygotes.

Submission:

Labcorp Genetics (formerly Invitae), Labcorp
Classification: Uncertain significance for Acyl-CoA oxidase deficiency. Last evaluated: 2024-12-08. Review status: criteria provided, single submitter. Criteria: Invitae Variant Classification Sherloc (09022015). Collection method: clinical testing. Allele origin: germline.
Comment: This sequence change replaces threonine, which is neutral and polar, with serine, which is neutral and polar, at codon 374 of the ACOX1 protein (p.Thr374Ser). This variant is present in population databases (rs143994351, gnomAD 0.004%). This variant has not been reported in the literature in individuals affected with ACOX1-related conditions. An algorithm developed to predict the effect of missense changes on protein structure and function (PolyPhen-2) suggests that this variant is likely to be tolerated. In summary, the available evidence is currently insufficient to determine the role of this variant in disease. Therefore, it has been classified as a Variant of Uncertain Significance.

NM_004035.7(ACOX1):c.1121C>G (p.Thr374Ser)

Gene: ACOX1 (acyl-CoA oxidase 1; minus strand). Cytogenetic location: 17q25.1.
Variant type: single nucleotide variant.
Coding change: c.1121C>G on transcript NM_004035.7 (MANE Select); coding-DNA position 1121, C replaced by G.
Protein change: p.Thr374Ser; replaces threonine 374 with serine.
Molecular consequence: missense variant.
Genome position (GRCh38, 1-based): chr17:75,950,951, G>C on the plus strand (C>G on the coding strand, the complement: ACOX1 is on the minus strand). VCF-style: chr17-75950951-G-C. GRCh37 (hg19) VCF-style: chr17-73947032-G-C.
Other names: c.1007C>G, p.Thr336Ser (NM_001185039.2); c.1121C>G, p.Thr374Ser (NM_007292.6); short protein forms T374S, T336S.
Identifiers: ClinVar variation 3706214 (VCV003706214.2).